The following is an entry in ClinVar:

ClinVar aggregate classification (germline): Uncertain significance (0 of 4 stars; one submission).

Conditions:
OTUD7A-related disorder. Also called: OTUD7A-related condition.

Submission:

PreventionGenetics, part of Exact Sciences
Classification: Uncertain significance for OTUD7A-related condition. Last evaluated: 2024-09-06. Review status: no assertion criteria provided. Collection method: clinical testing. Allele origin: germline.
Comment: The OTUD7A c.250C>G variant is predicted to result in the amino acid substitution p.Pro84Ala. To our knowledge, this variant has not been reported in the literature or in a large population database, indicating this variant is rare. At this time, the clinical significance of this variant is uncertain due to the absence of conclusive functional and genetic evidence.

NM_001382637.1(OTUD7A):c.250C>G (p.Pro84Ala)

Gene: OTUD7A (OTU deubiquitinase 7A; minus strand). Cytogenetic location: 15q13.3.
Variant type: single nucleotide variant.
Coding change: c.250C>G on transcript NM_001382637.1 (MANE Select); coding-DNA position 250, C replaced by G.
Protein change: p.Pro84Ala; replaces proline 84 with alanine.
Molecular consequence: missense variant.
Genome position (GRCh38, 1-based): chr15:31,570,099, G>C on the plus strand (C>G on the coding strand, the complement: OTUD7A is on the minus strand). VCF-style: chr15-31570099-G-C. GRCh37 (hg19) VCF-style: chr15-31862302-G-C.
Other names: c.250C>G, p.Pro84Ala (NM_001329907.2, NM_130901.3); short protein forms P84A.
Identifiers: ClinVar variation 3345069 (VCV003345069.1).